The following is an entry in ClinVar:

ClinVar aggregate classification (germline): Uncertain significance. Review status: criteria provided, single submitter (1 of 4 stars). 2 submissions from 2 submitters: Uncertain significance (1). 1 of the submissions does not count toward it. Last evaluated 2024-10-20.

Conditions:
Cutis laxa, autosomal recessive, type 1A (ARCL1A). Also called: Autosomal recessive cutis laxa type IA. Identifiers: Orphanet 90349, MedGen C5848058, MONDO:0009052, OMIM 219100.
Macular degeneration, age-related, 3 (ARMD3). Identifiers: Orphanet 280598, MedGen C1837187, MONDO:0012145, OMIM 608895.
Cutis laxa, autosomal dominant 2 (ADCL2). Identifiers: Orphanet 90348, MedGen C3280794, MONDO:0013751, OMIM 614434.

Allele frequency attached by ClinVar (database versions not stated): gnomAD exomes 0.00001; ExAC 0.00002; TOPMed 0.00002; ESP Exome Variant Server 0.00008.
gnomAD v4.1: 7 of 1,612,470 alleles (0.00043%); highest among the groups gnomAD compares: Admixed American, 0.0017%; no homozygotes.

Submissions (2):

Labcorp Genetics (formerly Invitae), Labcorp
Classification: Uncertain significance. Last evaluated: 2024-10-20. Review status: criteria provided, single submitter. Criteria: Invitae Variant Classification Sherloc (09022015). Collection method: clinical testing. Allele origin: germline.
Comment: This sequence change replaces arginine, which is basic and polar, with tryptophan, which is neutral and slightly polar, at codon 395 of the FBLN5 protein (p.Arg395Trp). This variant is present in population databases (rs372650987, gnomAD 0.007%). This variant has not been reported in the literature in individuals affected with FBLN5-related conditions. ClinVar contains an entry for this variant (Variation ID: 417872). An algorithm developed to predict the effect of missense changes on protein structure and function (PolyPhen-2) suggests that this variant is likely to be disruptive. Algorithms developed to predict the effect of sequence changes on RNA splicing suggest that this variant may disrupt the consensus splice site. In summary, the available evidence is currently insufficient to determine the role of this variant in disease. Therefore, it has been classified as a Variant of Uncertain Significance.

Division of Human Genetics, Children's Hospital of Philadelphia
Classification: Uncertain significance for Cutis laxa, autosomal recessive, type 1A; Cutis laxa, autosomal dominant 2; Macular degeneration, age-related, 3. Last evaluated: 2016-12-13. Review status: no assertion criteria provided. Collection method: research. Allele origin: de novo. Affected: yes. Study: CSER-PediSeq. Not counted in ClinVar's aggregate classification.

NM_006329.4(FBLN5):c.1183C>T (p.Arg395Trp)

Gene: FBLN5 (fibulin 5; minus strand). Cytogenetic location: 14q32.12.
Variant type: single nucleotide variant.
Coding change: c.1183C>T on transcript NM_006329.4 (MANE Select); coding-DNA position 1183, C replaced by T.
Protein change: p.Arg395Trp; replaces arginine 395 with tryptophan.
Molecular consequence: missense variant.
Genome position (GRCh38, 1-based): chr14:91,877,489, G>A on the plus strand (C>T on the coding strand, the complement: FBLN5 is on the minus strand). VCF-style: chr14-91877489-G-A. GRCh37 (hg19) VCF-style: chr14-92343833-G-A.
Other names: c.1306C>T, p.Arg436Trp (NM_001384158.1); c.1234C>T, p.Arg412Trp (NM_001384159.1); c.1183C>T, p.Arg395Trp (NM_001384160.1); c.1015C>T, p.Arg339Trp (NM_001384161.1, NM_001384162.1); short protein forms R395W, R339W, R412W, R436W.
Identifiers: ClinVar variation 417872 (VCV000417872.7), dbSNP rs372650987, ClinGen allele CA7312607.